The following is an entry in ClinVar:

NM_145239.3(PRRT2):c.919C>A (p.Gln307Lys)

Genes: MVP-DT (MVP divergent transcript; minus strand), PRRT2 (proline rich transmembrane protein 2; plus strand). Cytogenetic location: 16p11.2.
Variant type: single nucleotide variant.
Coding change: c.919C>A on transcript NM_145239.3 (MANE Select); coding-DNA position 919, C replaced by A.
Protein change: p.Gln307Lys; replaces glutamine 307 with lysine.
Molecular consequence: missense variant. On other transcripts: 3 prime UTR variant (1).
Genome position (GRCh38, 1-based): chr16:29,814,372, C>A. VCF-style: chr16-29814372-C-A. GRCh37 (hg19) VCF-style: chr16-29825693-C-A.
Other names: c.919C>A, p.Gln307Lys (NM_001256442.2); c.*418C>A (NM_001256443.2); short protein forms Q307K.
Identifiers: ClinVar variation 2435264 (VCV002435264.4), dbSNP rs2543339020, ClinGen allele CA395480585.

ClinVar aggregate classification (germline): Uncertain significance. Review status: criteria provided, multiple submitters, no conflicts (2 of 4 stars). 2 submissions from 2 submitters: Uncertain significance (2). Last evaluated 2025-05-07.

Conditions:
PRRT2-Related Disorder. Also called: PRRT2-related disorders. Identifiers: MedGen CN381059.

Submissions (2):

3billion
Classification: Uncertain significance for PRRT2-related disorder. Last evaluated: 2025-05-07. Review status: criteria provided, single submitter. Criteria: ACMG Guidelines, 2015. Collection method: clinical testing. Allele origin: germline. Affected: yes.
Comment: The variant is not observed in the gnomAD v4.1.0 dataset. Predicted Consequence/Location: Missense variant. The majority of the known disease-causing variants of this gene are variants expected to result in premature termination of the protein. In silico tool predictions suggest damaging effect of the variant on gene or gene product [3Cnet: 0.99 (> 0.75, sensitivity 0.96 and precision 0.92)]. The variant has been reported as of uncertain significance (ClinVar ID: VCV002435264). Different missense changes at the same codon have been reported as of uncertain significance (ClinVar ID: VCV001433481). Therefore, this variant is classified as VUS according to the recommendation of ACMG/AMP guideline.

Revvity Omics, Revvity
Classification: Uncertain significance. Last evaluated: 2019-11-08. Review status: criteria provided, single submitter. Criteria: ACMG Guidelines, 2015. Collection method: clinical testing. Allele origin: germline.